The following is an entry in ClinVar:

NM_002769.5(PRSS1):c.604G>A (p.Gly202Ser)

Genes: TRB (T cell receptor beta locus; plus strand), PRSS1 (serine protease 1; plus strand). Cytogenetic location: 7q34.
Variant type: single nucleotide variant.
Coding change: c.604G>A on transcript NM_002769.5 (MANE Select); coding-DNA position 604, G replaced by A.
Protein change: p.Gly202Ser; replaces glycine 202 with serine.
Molecular consequence: missense variant. On other transcripts: non-coding transcript variant (5).
Genome position (GRCh38, 1-based): chr7:142,752,880, G>A. VCF-style: chr7-142752880-G-A. GRCh37 (hg19) VCF-style: chr7-142460731-G-A.
Other names: short protein forms G202S.
Identifiers: ClinVar variation 1751272 (VCV001751272.3), dbSNP rs1798874496, ClinGen allele CA369610590.

ClinVar aggregate classification (germline): Uncertain significance (1 of 4 stars; one submission).

Conditions:
Hereditary pancreatitis (PCTT). Also called: Hereditary chronic pancreatitis; PRSS1-Related Hereditary Pancreatitis. Identifiers: Orphanet 676, MedGen C0238339, MONDO:0008185, OMIM 167800.

Submission:

Ambry Genetics
Classification: Uncertain significance for Hereditary pancreatitis. Last evaluated: 2025-01-28. Review status: criteria provided, single submitter. Criteria: Ambry Variant Classification Scheme 2023. Collection method: clinical testing. Allele origin: germline.
Comment: The p.G202S variant (also known as c.604G>A), located in coding exon 5 of the PRSS1 gene, results from a G to A substitution at nucleotide position 604. The glycine at codon 202 is replaced by serine, an amino acid with similar properties. This amino acid position is conserved. In addition, this alteration is predicted to be deleterious by in silico analysis. Since supporting evidence is limited at this time, the clinical significance of this alteration remains unclear.